The following is an entry in ClinVar:

NM_001374828.1(ARID1B):c.2863C>T (p.Gln955Ter)

Gene: ARID1B (AT-rich interaction domain 1B; plus strand). Cytogenetic location: 6q25.3.
Variant type: single nucleotide variant.
Coding change: c.2863C>T on transcript NM_001374828.1 (MANE Select); coding-DNA position 2863, C replaced by T.
Protein change: p.Gln955Ter; replaces glutamine 955 with a stop codon.
Molecular consequence: nonsense.
Genome position (GRCh38, 1-based): chr6:157,148,725, C>T. VCF-style: chr6-157148725-C-T. GRCh37 (hg19) VCF-style: chr6-157469859-C-T.
Other names: c.2614C>T, p.Gln872Ter (NM_001346813.1); c.364C>T, p.Gln122Ter (NM_001363725.2); c.2902C>T, p.Gln968Ter (NM_001371656.1, NM_001374820.1); c.2863C>T, p.Gln955Ter (NM_017519.3); c.2653C>T, p.Gln885Ter (NM_020732.3); c.2440C>T, p.Gln814Ter (NM_175863.2); short protein forms Q122*, Q814*, Q872*, Q885*, Q955*, Q968*.
Identifiers: ClinVar variation 2577925 (VCV002577925.2), dbSNP rs2128634238, ClinGen allele CA366388826.

ClinVar aggregate classification (germline): Pathogenic. Review status: criteria provided, single submitter (1 of 4 stars). 2 submissions from 2 submitters: Pathogenic (1). 1 of the submissions does not count toward it. Last evaluated 2023-07-10.

Submissions (2):

GeneDx
Classification: Pathogenic. Last evaluated: 2023-07-10. Review status: criteria provided, single submitter. Criteria: GeneDx Variant Classification Process June 2021. Collection method: clinical testing. Allele origin: germline. Affected: yes.
Comment: Nonsense variant predicted to result in protein truncation or nonsense mediated decay in a gene for which loss of function is a known mechanism of disease; Not observed at significant frequency in large population cohorts (gnomAD); This variant is associated with the following publications: (PMID: 31526516)

Molecular Genetics laboratory, Necker Hospital
Classification: Pathogenic. Last evaluated: 2021-08-27. Review status: no assertion criteria provided. Collection method: clinical testing. Allele origin: de novo. Affected: yes. Not counted in ClinVar's aggregate classification.